The following is an entry in ClinVar:

NM_020778.5(ALPK3):c.355C>T (p.Arg119Cys)

Gene: ALPK3 (alpha kinase 3; plus strand). Cytogenetic location: 15q25.3.
Variant type: single nucleotide variant.
Coding change: c.355C>T on transcript NM_020778.5 (MANE Select); coding-DNA position 355, C replaced by T.
Protein change: p.Arg119Cys; replaces arginine 119 with cysteine.
Molecular consequence: missense variant.
Genome position (GRCh38, 1-based): chr15:84,839,030, C>T. VCF-style: chr15-84839030-C-T. GRCh37 (hg19) VCF-style: chr15-85382261-C-T.
Other names: c.961C>T (NM_020778.4); short protein forms R119C.
Identifiers: ClinVar variation 1502649 (VCV001502649.9), dbSNP rs766905744, ClinGen allele CA7708945.

ClinVar aggregate classification (germline): Uncertain significance. Review status: criteria provided, multiple submitters, no conflicts (2 of 4 stars). 2 submissions from 2 submitters: Uncertain significance (2). Last evaluated 2025-02-05.

Conditions:
Cardiovascular phenotype. Identifiers: MedGen CN230736.

Allele frequency attached by ClinVar (database versions not stated): ExAC 0.00001; gnomAD exomes 0.00002.
gnomAD v4.1: 14 of 1,613,868 alleles (0.00087%); highest among the groups gnomAD compares: African/African-American, 0.0013%; no homozygotes.

Submissions (2):

Labcorp Genetics (formerly Invitae), Labcorp
Classification: Uncertain significance. Last evaluated: 2025-02-05. Review status: criteria provided, single submitter. Criteria: Invitae Variant Classification Sherloc (09022015). Collection method: clinical testing. Allele origin: germline.
Comment: This sequence change replaces arginine, which is basic and polar, with cysteine, which is neutral and slightly polar, at codon 321 of the ALPK3 protein (p.Arg321Cys). This variant is present in population databases (rs766905744, gnomAD 0.007%). This variant has not been reported in the literature in individuals affected with ALPK3-related conditions. ClinVar contains an entry for this variant (Variation ID: 1502649). An algorithm developed to predict the effect of missense changes on protein structure and function (PolyPhen-2) suggests that this variant is likely to be disruptive. In summary, the available evidence is currently insufficient to determine the role of this variant in disease. Therefore, it has been classified as a Variant of Uncertain Significance.

Ambry Genetics
Classification: Uncertain significance for Cardiovascular phenotype. Last evaluated: 2023-06-29. Review status: criteria provided, single submitter. Criteria: Ambry Variant Classification Scheme 2023. Collection method: clinical testing. Allele origin: germline.
Comment: The p.R321C variant (also known as c.961C>T), located in coding exon 4 of the ALPK3 gene, results from a C to T substitution at nucleotide position 961. The arginine at codon 321 is replaced by cysteine, an amino acid with highly dissimilar properties. This amino acid position is conserved. In addition, the in silico prediction for this alteration is inconclusive. Since supporting evidence is limited at this time, the clinical significance of this alteration remains unclear.